The following is an entry in ClinVar:

NM_014112.5(TRPS1):c.1975C>A (p.Gln659Lys)

Gene: TRPS1 (transcriptional repressor GATA binding 1; minus strand). Cytogenetic location: 8q23.3.
Variant type: single nucleotide variant.
Coding change: c.1975C>A on transcript NM_014112.5 (MANE Select); coding-DNA position 1975, C replaced by A.
Protein change: p.Gln659Lys; replaces glutamine 659 with lysine.
Molecular consequence: missense variant.
Genome position (GRCh38, 1-based): chr8:115,603,994, G>T on the plus strand (C>A on the coding strand, the complement: TRPS1 is on the minus strand). VCF-style: chr8-115603994-G-T. GRCh37 (hg19) VCF-style: chr8-116616221-G-T.
Other names: c.1948C>A, p.Gln650Lys (NM_001282902.3); c.1954C>A, p.Gln652Lys (NM_001282903.3); c.1936C>A, p.Gln646Lys (NM_001330599.2); short protein forms Q646K, Q650K, Q652K, Q659K.
Identifiers: ClinVar variation 2941341 (VCV002941341.3), dbSNP rs2536888510, ClinGen allele CA372066208.

ClinVar aggregate classification (germline): Uncertain significance (1 of 4 stars; one submission).

Conditions:
Trichorhinophalangeal dysplasia type I (TRPS1). Also called: TRICHORHINOPHALANGEAL SYNDROME, TYPE I; TRPS I. Identifiers: Orphanet 77258, MedGen C0432233, MONDO:0008596, OMIM 190350.
Trichorhinophalangeal syndrome, type III (TRPS3). Also called: SUGIO-KAJII SYNDROME. Identifiers: Orphanet 77258, MedGen C1860823, OMIM 190351, MONDO:0008597.

Submission:

Labcorp Genetics (formerly Invitae), Labcorp
Classification: Uncertain significance for Trichorhinophalangeal syndrome, type III; Trichorhinophalangeal dysplasia type I. Last evaluated: 2024-03-28. Review status: criteria provided, single submitter. Criteria: Invitae Variant Classification Sherloc (09022015). Collection method: clinical testing. Allele origin: germline.
Comment: This sequence change replaces glutamine, which is neutral and polar, with lysine, which is basic and polar, at codon 659 of the TRPS1 protein (p.Gln659Lys). This variant is not present in population databases (gnomAD no frequency). This variant has not been reported in the literature in individuals affected with TRPS1-related conditions. Advanced modeling of protein sequence and biophysical properties (such as structural, functional, and spatial information, amino acid conservation, physicochemical variation, residue mobility, and thermodynamic stability) performed at Invitae indicates that this missense variant is not expected to disrupt TRPS1 protein function with a negative predictive value of 80%. In summary, the available evidence is currently insufficient to determine the role of this variant in disease. Therefore, it has been classified as a Variant of Uncertain Significance.